The following is an entry in ClinVar:

NM_001374353.1(GLI2):c.4592G>A (p.Arg1531Gln)

Gene: GLI2 (GLI family zinc finger 2; plus strand). Cytogenetic location: 2q14.2.
Variant type: single nucleotide variant.
Coding change: c.4592G>A on transcript NM_001374353.1 (MANE Select); coding-DNA position 4592, G replaced by A.
Protein change: p.Arg1531Gln; replaces arginine 1531 with glutamine.
Molecular consequence: missense variant.
Genome position (GRCh38, 1-based): chr2:120,990,557, G>A. VCF-style: chr2-120990557-G-A. GRCh37 (hg19) VCF-style: chr2-121748133-G-A.
Other names: c.4643G>A, p.Arg1548Gln (NM_001371271.1, NM_005270.5); c.4217G>A, p.Arg1406Gln (NM_001374354.1); short protein forms R1531Q, R1406Q, R1548Q.
Identifiers: ClinVar variation 1446102 (VCV001446102.7), dbSNP rs371304728, ClinGen allele CA1852674.

ClinVar aggregate classification (germline): Uncertain significance. Review status: criteria provided, multiple submitters, no conflicts (2 of 4 stars). 2 submissions from 2 submitters: Uncertain significance (2). Last evaluated 2025-06-04.

Conditions:
Postaxial polydactyly-anterior pituitary anomalies-facial dysmorphism syndrome. Also called: Culler-Jones syndrome. Identifiers: Orphanet 420584, MedGen C4014479, MONDO:0014369, OMIM 615849.
Holoprosencephaly 9 (HPE9). Also called: PITUITARY ANOMALIES WITH HOLOPROSENCEPHALY-LIKE FEATURES; HOLOPROSENCEPHALY WITH MICROPHTHALMIA AND FIRST BRANCHIAL ARCH ANOMALIES. Identifiers: Orphanet 2162, MedGen C1835819, MONDO:0012563, OMIM 610829.

Allele frequency attached by ClinVar (database versions not stated): ExAC 0.00002; gnomAD 0.00003 and 0.00004; TOPMed 0.00004; ESP Exome Variant Server 0.00008; gnomAD exomes 0.00009 and 0.00001.
gnomAD v4.1: 137 of 1,613,644 alleles (0.0085%); highest among the groups gnomAD compares: Non-Finnish European, 0.011%; no homozygotes.

Submissions (2):

Labcorp Genetics (formerly Invitae), Labcorp
Classification: Uncertain significance for Postaxial polydactyly-anterior pituitary anomalies-facial dysmorphism syndrome; Holoprosencephaly 9. Last evaluated: 2025-06-04. Review status: criteria provided, single submitter. Criteria: Invitae Variant Classification Sherloc (09022015). Collection method: clinical testing. Allele origin: germline.
Comment: This sequence change replaces arginine, which is basic and polar, with glutamine, which is neutral and polar, at codon 1548 of the GLI2 protein (p.Arg1548Gln). This variant is present in population databases (rs371304728, gnomAD 0.003%). This variant has not been reported in the literature in individuals affected with GLI2-related conditions. ClinVar contains an entry for this variant (Variation ID: 1446102). Invitae Evidence Modeling of protein sequence and biophysical properties (such as structural, functional, and spatial information, amino acid conservation, physicochemical variation, residue mobility, and thermodynamic stability) indicates that this missense variant is not expected to disrupt GLI2 protein function with a negative predictive value of 80%. In summary, the available evidence is currently insufficient to determine the role of this variant in disease. Therefore, it has been classified as a Variant of Uncertain Significance.

Women's Health and Genetics/Laboratory Corporation of America, LabCorp
Classification: Uncertain significance. Last evaluated: 2024-06-14. Review status: criteria provided, single submitter. Criteria: LabCorp Variant Classification Summary - May 2015. Collection method: clinical testing. Allele origin: germline.
Comment: Variant summary: GLI2 c.4643G>A (p.Arg1548Gln) results in a conservative amino acid change in the encoded protein sequence. Three of five in-silico tools predict a benign effect of the variant on protein function. The variant allele was found at a frequency of 1.2e-05 in 251340 control chromosomes. The available data on variant occurrences in the general population are insufficient to allow any conclusion about variant significance. To our knowledge, no occurrence of c.4643G>A in individuals affected with GLI2-Related Disorders and no experimental evidence demonstrating its impact on protein function have been reported. ClinVar contains an entry for this variant (Variation ID: 1446102). Based on the evidence outlined above, the variant was classified as uncertain significance.